The following is an entry in ClinVar:

NM_001278116.2(L1CAM):c.2389G>A (p.Gly797Arg)

Gene: L1CAM (L1 cell adhesion molecule; minus strand). Cytogenetic location: Xq28.
Variant type: single nucleotide variant.
Coding change: c.2389G>A on transcript NM_001278116.2 (MANE Select); coding-DNA position 2389, G replaced by A.
Protein change: p.Gly797Arg; replaces glycine 797 with arginine.
Molecular consequence: missense variant.
Genome position (GRCh38, 1-based): chrX:153,866,691, C>T on the plus strand (G>A on the coding strand, the complement: L1CAM is on the minus strand). VCF-style: chrX-153866691-C-T. GRCh37 (hg19) VCF-style: chrX-153132146-C-T.
Other names: c.2389G>A, p.Gly797Arg (NM_000425.5, NM_024003.3); c.2374G>A, p.Gly792Arg (NM_001143963.2); short protein forms G792R, G797R.
Identifiers: ClinVar variation 1719510 (VCV001719510.5), dbSNP rs2520984248, ClinGen allele CA415118369.

ClinVar aggregate classification (germline): Uncertain significance (1 of 4 stars; one submission).

Conditions:
Spastic paraplegia. Identifiers: MedGen C0037772, HP:0001258.

Submission:

Labcorp Genetics (formerly Invitae), Labcorp
Classification: Uncertain significance for Spastic paraplegia. Last evaluated: 2025-06-08. Review status: criteria provided, single submitter. Criteria: Invitae Variant Classification Sherloc (09022015). Collection method: clinical testing. Allele origin: germline.
Comment: This sequence change replaces glycine, which is neutral and non-polar, with arginine, which is basic and polar, at codon 797 of the L1CAM protein (p.Gly797Arg). This variant is not present in population databases (gnomAD no frequency). This variant has not been reported in the literature in individuals affected with L1CAM-related conditions. ClinVar contains an entry for this variant (Variation ID: 1719510). Invitae Evidence Modeling of protein sequence and biophysical properties (such as structural, functional, and spatial information, amino acid conservation, physicochemical variation, residue mobility, and thermodynamic stability) has been performed for this missense variant. However, the output from this modeling did not meet the statistical confidence thresholds required to predict the impact of this variant on L1CAM protein function. In summary, the available evidence is currently insufficient to determine the role of this variant in disease. Therefore, it has been classified as a Variant of Uncertain Significance.